The following is an entry in ClinVar:

NM_002128.7(HMGB1):c.618_620del (p.Glu206del)

Gene: HMGB1 (high mobility group box 1; minus strand). Cytogenetic location: 13q12.3.
Variant type: Deletion.
Coding change: c.618_620del on transcript NM_002128.7 (MANE Select); coding-DNA positions 618 to 620, 3 bases deleted (AGA; older notation c.618_620delAGA).
Protein change: p.Glu206del; deletes glutamic acid 206.
Molecular consequence: inframe deletion. On other transcripts: 3 prime UTR variant (2).
Genome position (GRCh38, 1-based): chr13:30,461,385-30,461,387, TCT deleted on the plus strand (AGA on the coding strand, the reverse complement: HMGB1 is on the minus strand); deleting any 3 consecutive bases within chr13:30,461,385-30,461,389 gives the same sequence; the c. name uses the placement nearest the transcript's 3' end. VCF-style (leftmost placement, unchanged base first): chr13-30461384-ATCT-A. GRCh37 (hg19) VCF-style: chr13-31035521-ATCT-A.
Other names: c.618_620del, p.Glu206del (NM_001313892.2, NM_001313893.1, NM_001370340.1 and 1 more transcripts); c.*191_*193del (NM_001363661.2); c.*296_*298del (NM_001370339.1); short protein forms E206del.
Identifiers: ClinVar variation 2380914 (VCV002380914.2), dbSNP rs1051864412, ClinGen allele CA247854040.
Genomic context (GRCh38, chr13:30,461,384, plus strand): 5'-AGACAAGAAAAAAAAAACTGCGCTAGAACCAACTTATTCATCATCATCATCTTCTTCTTC[ATCT>A]TCATCTTCTTCATCTTCCTCCTCCTCCTCATCCTCTTCATCTTCCTCATCTTCCTCCTCT-3'

ClinVar aggregate classification (germline): Uncertain significance (1 of 4 stars; one submission).

Conditions:
Inborn genetic diseases. Identifiers: MedGen C0950123, MeSH D030342.

Submission:

Ambry Genetics
Classification: Uncertain significance for Inborn genetic diseases. Last evaluated: 2022-03-28. Review status: criteria provided, single submitter. Criteria: Ambry Variant Classification Scheme 2023. Collection method: clinical testing. Allele origin: germline.
Comment: The c.618_620delAGA (p.E206del) alteration is located in exon 5 (coding exon 4) of the HMGB1 gene. This alteration consists of an in-frame deletion of 3 nucleotides between nucleotide positions c.618 and c.620, resulting in the deletion of 1 residue. Based on insufficient or conflicting evidence, the clinical significance of this alteration remains unclear.